The following is an entry in ClinVar:

NM_002392.6(MDM2):c.56C>T (p.Ala19Val)

Genes: MDM2 (MDM2 proto-oncogene; plus strand), LOC126861563 (CDK7 strongly-dependent group 2 enhancer GRCh37_chr12:69202246-69203445; plus strand). Cytogenetic location: 12q15.
Variant type: single nucleotide variant.
Coding change: c.56C>T on transcript NM_002392.6 (MANE Select); coding-DNA position 56, C replaced by T.
Protein change: p.Ala19Val; replaces alanine 19 with valine.
Molecular consequence: missense variant.
Genome position (GRCh38, 1-based): chr12:68,809,249, C>T. VCF-style: chr12-68809249-C-T. GRCh37 (hg19) VCF-style: chr12-69203029-C-T.
Other names: c.38C>T, p.Ala13Val (NM_001145337.3, NM_001145340.3, NM_001278462.2 and 1 more transcripts); c.56C>T, p.Ala19Val (NM_001145339.2); c.56C>T (NM_002392.3); short protein forms A13V, A19V.
Identifiers: ClinVar variation 2835232 (VCV002835232.4), dbSNP rs991848363, ClinGen allele CA238470577.

ClinVar aggregate classification (germline): Uncertain significance. Review status: criteria provided, multiple submitters, no conflicts (2 of 4 stars). 2 submissions from 2 submitters: Uncertain significance (2). Last evaluated 2023-12-19.

Conditions:
Accelerated tumor formation, susceptibility to (ACTFS). Identifiers: MedGen C3280690, OMIM 614401, MONDO:0013733.

Allele frequency attached by ClinVar (database versions not stated): gnomAD exomes below 0.00001; TOPMed 0.00001; gnomAD 0.00003.

Submissions (2):

Ambry Genetics
Classification: Uncertain significance. Last evaluated: 2023-12-19. Review status: criteria provided, single submitter. Criteria: Ambry Variant Classification Scheme 2023. Collection method: clinical testing. Allele origin: germline.

Labcorp Genetics (formerly Invitae), Labcorp
Classification: Uncertain significance for Accelerated tumor formation, susceptibility to. Last evaluated: 2023-12-13. Review status: criteria provided, single submitter. Criteria: Invitae Variant Classification Sherloc (09022015). Collection method: clinical testing. Allele origin: germline.
Comment: This sequence change replaces alanine, which is neutral and non-polar, with valine, which is neutral and non-polar, at codon 19 of the MDM2 protein (p.Ala19Val). This variant is present in population databases (no rsID available, gnomAD 0.01%). This variant has not been reported in the literature in individuals affected with MDM2-related conditions. An algorithm developed to predict the effect of missense changes on protein structure and function (PolyPhen-2) suggests that this variant is likely to be disruptive. In summary, the available evidence is currently insufficient to determine the role of this variant in disease. Therefore, it has been classified as a Variant of Uncertain Significance.